The following is an entry in ClinVar:

ClinVar aggregate classification (germline): Benign/Likely benign. Review status: criteria provided, multiple submitters, no conflicts (2 of 4 stars). 3 submissions from 3 submitters: Benign (2); Likely benign (1). Last evaluated 2026-01-28.

Conditions:
Inborn genetic diseases. Identifiers: MedGen C0950123, MeSH D030342.
Cornelia de Lange syndrome 4 (CDLS4). Also called: RAD21-Related Cornelia de Lange Syndrome; CORNELIA DE LANGE SYNDROME 4 WITH OR WITHOUT MIDLINE BRAIN DEFECTS. Identifiers: Orphanet 199, MedGen C3553517, MONDO:0013864, OMIM 614701.

Allele frequency attached by ClinVar (database versions not stated): ExAC 0.00195; gnomAD 0.00579 and 0.00623; TOPMed 0.00614; ESP Exome Variant Server 0.00677; 1000 Genomes Project 0.00719; 1000 Genomes Project 30x 0.00843.

Submissions (3):

Labcorp Genetics (formerly Invitae), Labcorp
Classification: Benign for Cornelia de Lange syndrome 4. Last evaluated: 2026-01-28. Review status: criteria provided, single submitter. Criteria: Invitae Variant Classification Sherloc (09022015). Collection method: clinical testing. Allele origin: germline.

GeneDx
Classification: Likely benign. Last evaluated: 2020-03-31. Review status: criteria provided, single submitter. Criteria: GeneDx Variant Classification Process June 2021. Collection method: clinical testing. Allele origin: germline. Affected: yes.
Comment: See Variant Classification Assertion Criteria.

Ambry Genetics
Classification: Benign for Inborn genetic diseases. Last evaluated: 2016-07-29. Review status: criteria provided, single submitter. Criteria: Ambry Variant Classification Scheme 2023. Collection method: clinical testing. Allele origin: germline.

NM_006265.3(RAD21):c.1242T>G (p.Asp414Glu)

Gene: RAD21 (RAD21 cohesin complex component; minus strand). Cytogenetic location: 8q24.11.
Variant type: single nucleotide variant.
Coding change: c.1242T>G on transcript NM_006265.3 (MANE Select); coding-DNA position 1242, T replaced by G.
Protein change: p.Asp414Glu; replaces aspartic acid 414 with glutamic acid.
Molecular consequence: missense variant.
Genome position (GRCh38, 1-based): chr8:116,852,628, A>C on the plus strand (T>G on the coding strand, the complement: RAD21 is on the minus strand). VCF-style: chr8-116852628-A-C. GRCh37 (hg19) VCF-style: chr8-117864867-A-C.
Other names: short protein forms D414E.
Identifiers: ClinVar variation 588115 (VCV000588115.18), dbSNP rs75160167, ClinGen allele CA4852871.